The following is an entry in ClinVar:

ClinVar aggregate classification (germline): Likely benign. Review status: criteria provided, multiple submitters, no conflicts (2 of 4 stars). 2 submissions from 2 submitters: Likely benign (2). Last evaluated 2024-10-14.

Conditions:
Hereditary diffuse gastric adenocarcinoma (HDGC). Also called: DIFFUSE GASTRIC AND LOBULAR BREAST CANCER SYNDROME. Identifiers: Orphanet 26106, MedGen C1708349, MONDO:0007648, OMIM 137215.

Submissions (2):

Myriad Genetics, Inc.
Classification: Likely benign for Hereditary diffuse gastric adenocarcinoma. Last evaluated: 2024-10-14. Review status: criteria provided, single submitter. Criteria: Myriad Autosomal Dominant, Autosomal Recessive and X-Linked Classification Criteria (2023). Collection method: clinical testing. Allele origin: unknown.
Comment: This variant is considered likely benign. This variant is intronic and is not expected to impact mRNA splicing.

Labcorp Genetics (formerly Invitae), Labcorp
Classification: Likely benign. Last evaluated: 2022-10-11. Review status: criteria provided, single submitter. Criteria: Invitae Variant Classification Sherloc (09022015). Collection method: clinical testing. Allele origin: germline.

NM_001903.5(CTNNA1):c.2192+10_2192+69del

Gene: CTNNA1 (catenin alpha 1; plus strand). Cytogenetic location: 5q31.2.
Variant type: Deletion.
Coding change: c.2192+10_2192+69del on transcript NM_001903.5 (MANE Select); bases 10 to 69 of the intron after coding-DNA position 2192, 60 bases deleted.
Molecular consequence: intron variant.
Genome position (GRCh38, 1-based): chr5:138,930,664-138,930,723, 60 bases deleted. GRCh37 (hg19): chr5:138,266,353-138,266,412.
Other names: c.2192+10_2192+69del (NM_001323982.2, NM_001323984.2, NM_001290307.3 and 2 more transcripts); c.2099+10_2099+69del (NM_001323986.2); c.1823+10_1823+69del (NM_001290310.3); c.1883+10_1883+69del (NM_001290309.3); c.1082+10_1082+69del (NM_001323996.1, NM_001323993.1, NM_001324005.1 and 17 more transcripts); c.743+10_743+69del (NM_001324007.1, NM_001324009.1, NM_001324006.1 and 2 more transcripts); c.839+10_839+69del (NM_001324013.1, NM_001324012.1); c.989+10_989+69del (NM_001324011.1).
Identifiers: ClinVar variation 2034589 (VCV002034589.5), dbSNP rs2533852358, ClinGen allele CA2580072920.